The following is an entry in ClinVar:

ClinVar aggregate classification (germline): Uncertain significance (1 of 4 stars; one submission).

Conditions:
Wolman disease (WOLD). Also called: Wolman disease with hypolipoproteinemia and acanthocytosis; Acid cholesteryl ester hydrolase deficiency, Wolman type; Acid lipase disease; LYSOSOMAL ACID LIPASE DEFICIENCY, ACUTE INFANTILE; LYSOSOMAL ACID LIPASE DEFICIENCY, COMPLETE; LIPA DEFICIENCY, COMPLETE. Identifiers: Orphanet 75233, MedGen C0043208, MONDO:0019148, OMIM 620151.

Submission:

Labcorp Genetics (formerly Invitae), Labcorp
Classification: Uncertain significance for Wolman disease. Last evaluated: 2024-06-05. Review status: criteria provided, single submitter. Criteria: Invitae Variant Classification Sherloc (09022015). Collection method: clinical testing. Allele origin: germline.
Comment: This sequence change replaces tyrosine, which is neutral and polar, with cysteine, which is neutral and slightly polar, at codon 398 of the LIPA protein (p.Tyr398Cys). This variant is not present in population databases (gnomAD no frequency). This variant has not been reported in the literature in individuals affected with LIPA-related conditions. ClinVar contains an entry for this variant (Variation ID: 1373152). Advanced modeling of protein sequence and biophysical properties (such as structural, functional, and spatial information, amino acid conservation, physicochemical variation, residue mobility, and thermodynamic stability) performed at Invitae indicates that this missense variant is not expected to disrupt LIPA protein function with a negative predictive value of 80%. In summary, the available evidence is currently insufficient to determine the role of this variant in disease. Therefore, it has been classified as a Variant of Uncertain Significance.

NM_000235.4(LIPA):c.1193A>G (p.Tyr398Cys)

Gene: LIPA (lipase A, lysosomal acid type; minus strand). Cytogenetic location: 10q23.31.
Variant type: single nucleotide variant.
Coding change: c.1193A>G on transcript NM_000235.4 (MANE Select); coding-DNA position 1193, A replaced by G.
Protein change: p.Tyr398Cys; replaces tyrosine 398 with cysteine.
Molecular consequence: missense variant.
Genome position (GRCh38, 1-based): chr10:89,214,835, T>C on the plus strand (A>G on the coding strand, the complement: LIPA is on the minus strand). VCF-style: chr10-89214835-T-C. GRCh37 (hg19) VCF-style: chr10-90974592-T-C.
Other names: c.1193A>G, p.Tyr398Cys (NM_001127605.3); c.845A>G, p.Tyr282Cys (NM_001288979.2); short protein forms Y282C, Y398C.
Identifiers: ClinVar variation 1373152 (VCV001373152.6), dbSNP rs2133411240, ClinGen allele CA377515930.